The following is an entry in ClinVar:

NM_000059.4(BRCA2):c.8967T>G (p.Ile2989Met)

Gene: BRCA2 (BRCA2 DNA repair associated; plus strand). Cytogenetic location: 13q13.1.
Variant type: single nucleotide variant.
Coding change: c.8967T>G on transcript NM_000059.4 (MANE Select); coding-DNA position 8967, T replaced by G.
Protein change: p.Ile2989Met; replaces isoleucine 2989 with methionine.
Molecular consequence: missense variant. On other transcripts: non-coding transcript variant (1), intron variant (1).
Genome position (GRCh38, 1-based): chr13:32,379,763, T>G. VCF-style: chr13-32379763-T-G. GRCh37 (hg19) VCF-style: chr13-32953900-T-G.
Other names: c.8871T>G, p.Ile2957Met (NM_001406719.1); c.4035T>G, p.Ile1345Met (NM_001406721.1); c.2550T>G, p.Ile850Met (NM_001406722.1); c.8967T>G, p.Ile2989Met (NM_001432077.1); c.8954-38T>G (NM_001406720.1); short protein forms I1345M, I2957M, I2989M, I850M.
Identifiers: ClinVar variation 4756633 (VCV004756633.1).

ClinVar aggregate classification (germline): Uncertain significance (1 of 4 stars; one submission).

Conditions:
Hereditary cancer-predisposing syndrome. Also called: Tumor predisposition; Hereditary Cancer Syndrome; Neoplastic Syndromes, Hereditary; Hereditary neoplastic syndrome. Identifiers: Orphanet 140162, MedGen C0027672, MeSH D009386, MONDO:0015356.

Submission:

Color Diagnostics, LLC DBA Color Health
Classification: Uncertain significance for Hereditary cancer-predisposing syndrome. Last evaluated: 2025-04-21. Review status: criteria provided, single submitter. Criteria: ACMG Guidelines, 2015. Collection method: clinical testing. Allele origin: germline.
Comment: This missense variant replaces isoleucine with methionine at codon 2989 of the BRCA2 protein. Computational prediction suggests that this variant may not impact protein structure and function. Functional studies have reported that this variant does not impact BRCA2 function in a haploid cell proliferation assay and in a humanized mouse embryonic stem cell model (PMID: 39779848, 39779857). To our knowledge, this variant has not been reported in individuals affected with BRCA2-related disorders in the literature. This variant has not been identified in the general population by the Genome Aggregation Database (gnomAD). Although there is a suspicion that this variant may not be associated with disease, additional clinical studies are necessary to determine the role of this variant in disease conclusively. Therefore, this variant is classified as a Variant of Uncertain Significance.

Literature cited by the submitters: PubMed 39779848; PubMed 39779857.